The following is an entry in ClinVar:

ClinVar aggregate classification (germline): Uncertain significance (1 of 4 stars; one submission).

Conditions:
Neurofibromatosis, type 1 (NF1). Also called: VON RECKLINGHAUSEN DISEASE; Peripheral type neurofibromatosis; NEUROFIBROMATOSIS, TYPE I, SOMATIC; Neurofibromatosis, type I. Identifiers: Orphanet 636, MedGen C0027831, MONDO:0018975, OMIM 162200. Disease mechanism: loss of function.

Submission:

Labcorp Genetics (formerly Invitae), Labcorp
Classification: Uncertain significance for Neurofibromatosis, type 1. Last evaluated: 2024-07-30. Review status: criteria provided, single submitter. Criteria: Invitae Variant Classification Sherloc (09022015). Collection method: clinical testing. Allele origin: germline.
Comment: This sequence change replaces leucine, which is neutral and non-polar, with valine, which is neutral and non-polar, at codon 316 of the NF1 protein (p.Leu316Val). This variant is not present in population databases (gnomAD no frequency). This variant has not been reported in the literature in individuals affected with NF1-related conditions. Advanced modeling of protein sequence and biophysical properties (such as structural, functional, and spatial information, amino acid conservation, physicochemical variation, residue mobility, and thermodynamic stability) has been performed at Invitae for this missense variant, however the output from this modeling did not meet the statistical confidence thresholds required to predict the impact of this variant on NF1 protein function. Algorithms developed to predict the effect of sequence changes on RNA splicing suggest that this variant may disrupt the consensus splice site. In summary, the available evidence is currently insufficient to determine the role of this variant in disease. Therefore, it has been classified as a Variant of Uncertain Significance.

NM_001042492.3(NF1):c.946C>G (p.Leu316Val)

Gene: NF1 (neurofibromin 1; plus strand). Cytogenetic location: 17q11.2.
Variant type: single nucleotide variant.
Coding change: c.946C>G on transcript NM_001042492.3 (MANE Select); coding-DNA position 946, C replaced by G.
Protein change: p.Leu316Val; replaces leucine 316 with valine.
Molecular consequence: missense variant.
Genome position (GRCh38, 1-based): chr17:31,200,479, C>G. VCF-style: chr17-31200479-C-G. GRCh37 (hg19) VCF-style: chr17-29527497-C-G.
Other names: c.946C>G, p.Leu316Val (NM_000267.4, NM_001128147.3); short protein forms L316V.
Identifiers: ClinVar variation 3634492 (VCV003634492.2).